The following is an entry in ClinVar:

NM_004287.5(GOSR2):c.128A>G (p.Gln43Arg)

Genes: GOSR2 (golgi SNAP receptor complex member 2; plus strand), LRRC37A2 (leucine rich repeat containing 37 member A2), LOC126862578 (BRD4-independent group 4 enhancer GRCh37_chr17:45008344-45009543; plus strand). Cytogenetic location: 17q21.32.
Variant type: single nucleotide variant.
Coding change: c.128A>G on transcript NM_004287.5 (MANE Select); coding-DNA position 128, A replaced by G.
Protein change: p.Gln43Arg; replaces glutamine 43 with arginine.
Molecular consequence: missense variant. On other transcripts: non-coding transcript variant (3).
Genome position (GRCh38, 1-based): chr17:46,931,132, A>G. VCF-style: chr17-46931132-A-G. GRCh37 (hg19) VCF-style: chr17-45008498-A-G.
Other names: c.128A>G, p.Gln43Arg (NM_001012511.3, NM_001321133.2, NM_001330252.2 and 1 more transcripts); c.74A>G, p.Gln25Arg (NM_001321134.2, NM_001363851.2); c.125A>G, p.Gln42Arg (NM_001353114.2, NM_001353115.2, NM_001353116.2); short protein forms Q25R, Q42R, Q43R.
Identifiers: ClinVar variation 662128 (VCV000662128.9), dbSNP rs772763319, ClinGen allele CA8621168.

ClinVar aggregate classification (germline): Uncertain significance (1 of 4 stars; one submission).

Conditions:
Progressive myoclonic epilepsy. Also called: Familial progressive myoclonic epilepsy; Myoclonus epilepsy; Progressive myoclonus epilepsy; Myoclonic Epilepsies, Progressive. Identifiers: Orphanet 308, Orphanet 98261, MedGen C0751778, MONDO:0020074.

Allele frequency attached by ClinVar (database versions not stated): gnomAD exomes below 0.00001 and 0.00001; ExAC 0.00001.
gnomAD v4.1: 3 of 1,609,786 alleles (0.00019%); highest among the groups gnomAD compares: Middle Eastern, 0.017%; no homozygotes.

Submission:

Labcorp Genetics (formerly Invitae), Labcorp
Classification: Uncertain significance for Progressive myoclonic epilepsy. Last evaluated: 2019-01-07. Review status: criteria provided, single submitter. Criteria: Invitae Variant Classification Sherloc (09022015). Collection method: clinical testing. Allele origin: germline.
Comment: In summary, the available evidence is currently insufficient to determine the role of this variant in disease. Therefore, it has been classified as a Variant of Uncertain Significance. Algorithms developed to predict the effect of missense changes on protein structure and function (SIFT, PolyPhen-2, Align-GVGD) all suggest that this variant is likely to be tolerated, but these predictions have not been confirmed by published functional studies and their clinical significance is uncertain. This variant has not been reported in the literature in individuals with GOSR2-related conditions. This variant is present in population databases (rs772763319, ExAC 0.002%). This sequence change replaces glutamine with arginine at codon 43 of the GOSR2 protein (p.Gln43Arg). The glutamine residue is highly conserved and there is a small physicochemical difference between glutamine and arginine.